The following is an entry in ClinVar:

NM_000427.3(LORICRIN):c.202_219dup (p.Gly73_Gly74insSerSerGlyGlyGlyGly)

Gene: LORICRIN (loricrin cornified envelope precursor protein; plus strand). Cytogenetic location: 1q21.3.
Variant type: Duplication.
Coding change: c.202_219dup on transcript NM_000427.3 (MANE Select); coding-DNA positions 202 to 219, 18 bases duplicated (TCCTCCGGCGGCGGGGGC).
Protein change: p.Gly73_Gly74insSerSerGlyGlyGlyGly.
Molecular consequence: inframe insertion.
Genome position (GRCh38, 1-based): chr1:153,261,151-153,261,168, TCCTCCGGCGGCGGGGGC duplicated; duplicating any 18 consecutive bases within chr1:153,261,140-153,261,168 gives the same sequence; the c. name uses the placement nearest the transcript's 3' end. VCF-style (leftmost placement, unchanged base first): chr1-153261139-T-TGCGGCGGGGGCTCCTCCG. GRCh37 (hg19) VCF-style: chr1-153233615-T-TGCGGCGGGGGCTCCTCCG.
Identifiers: ClinVar variation 4741293 (VCV004741293.1).

ClinVar aggregate classification (germline): Uncertain significance (1 of 4 stars; one submission).

Submission:

Labcorp Genetics (formerly Invitae), Labcorp
Classification: Uncertain significance. Last evaluated: 2025-05-30. Review status: criteria provided, single submitter. Criteria: Invitae Variant Classification Sherloc (09022015). Collection method: clinical testing. Allele origin: germline.
Comment: This variant, c.202_219dup, results in the insertion of 6 amino acid(s) of the LOR protein (p.Ser68_Gly73dup), but otherwise preserves the integrity of the reading frame. The frequency data for this variant in the population databases is considered unreliable, as metrics indicate poor data quality at this position in the gnomAD database. This variant has not been reported in the literature in individuals affected with LOR-related conditions. In summary, the available evidence is currently insufficient to determine the role of this variant in disease. Therefore, it has been classified as a Variant of Uncertain Significance.